The following is an entry in ClinVar:

ClinVar aggregate classification (germline): Pathogenic (1 of 4 stars; one submission).

Submission:

Ambry Genetics
Classification: Pathogenic. Last evaluated: 2026-09-03. Review status: criteria provided, single submitter. Criteria: Ambry Variant Classification Scheme 2023. Collection method: clinical testing. Allele origin: germline.
Comment: The c.2407C>T (p.R803*) alteration, located in exon 19 (coding exon 19) of the GIGYF1 gene, consists of a C to T substitution at nucleotide position 2407. This changes the amino acid from a arginine (R) to a stop codon at amino acid position 803. This variant is expected to result in loss of function by premature protein truncation or nonsense-mediated mRNA decay. This variant was not reported in population-based cohorts in the Genome Aggregation Database (gnomAD). This variant was reported in individual(s) with features consistent with GIGYF1-related neurodevelopmental disorder (Chen, 2022). Based on the available evidence, this alteration is classified as pathogenic.

Literature cited by the submitters: PubMed 35917186.

NM_001375765.1(GIGYF1):c.2407C>T (p.Arg803Ter)

Gene: GIGYF1 (GRB10 interacting GYF protein 1; minus strand). Cytogenetic location: 7q22.1.
Variant type: single nucleotide variant.
Coding change: c.2407C>T on transcript NM_001375765.1 (MANE Select); coding-DNA position 2407, C replaced by T.
Protein change: p.Arg803Ter; replaces arginine 803 with a stop codon.
Molecular consequence: nonsense. On other transcripts: non-coding transcript variant (1).
Genome position (GRCh38, 1-based): chr7:100,683,017, G>A on the plus strand (C>T on the coding strand, the complement: GIGYF1 is on the minus strand). VCF-style: chr7-100683017-G-A. GRCh37 (hg19) VCF-style: chr7-100280640-G-A.
Other names: NM_022574.4:c.2407C>T; c.2407C>T, p.Arg803Ter (NM_001375762.1, NM_001375763.1, NM_001375764.1 and 6 more transcripts); short protein forms R803*.
Identifiers: ClinVar variation 5022418 (VCV005022418.1).